The following is an entry in ClinVar:

ClinVar aggregate classification (germline): Uncertain significance (1 of 4 stars; one submission).

Conditions:
Intellectual developmental disorder, autosomal recessive 2. Also called: MENTAL RETARDATION, AUTOSOMAL RECESSIVE 2A; Intellectual disability, autosomal recessive 2. Identifiers: Orphanet 88616, MedGen C1843942, MONDO:0011828, OMIM 607417.

Submission:

3billion
Classification: Uncertain significance for Intellectual developmental disorder, autosomal recessive 2. Last evaluated: 2026-01-29. Review status: criteria provided, single submitter. Criteria: ACMG Guidelines, 2015. Collection method: clinical testing. Allele origin: germline. Affected: yes.
Comment: The variant is observed at an extremely low frequency in the gnomAD v4.1.0 dataset (total allele frequency: <0.001%). Predicted Consequence/Location: Intron variant In silico tools predict the variant to alter splicing and produce an abnormal transcript [SpliceAI: 0.94 (>=0.2, moderate evidence for spliceogenicity)]. Therefore, this variant is classified as VUS according to the recommendation of ACMG/AMP guideline.

NM_016302.4(CRBN):c.750+5_750+8del

Gene: CRBN (cereblon; minus strand). Cytogenetic location: 3p26.2.
Variant type: Microsatellite.
Coding change: c.750+5_750+8del on transcript NM_016302.4 (MANE Select); bases 5 to 8 of the intron after coding-DNA position 750, 4 bases deleted (GTAA; older notation c.750+5_750+8delGTAA).
Molecular consequence: splice donor variant.
Genome position (GRCh38, 1-based): chr3:3,156,211-3,156,214, TTAC deleted on the plus strand (GTAA on the coding strand, the reverse complement: CRBN is on the minus strand); deleting any 4 consecutive bases within chr3:3,156,211-3,156,218 gives the same sequence; the c. name uses the placement nearest the transcript's 3' end. VCF-style (leftmost placement, unchanged base first): chr3-3156210-GTTAC-G. GRCh37 (hg19) VCF-style: chr3-3197894-GTTAC-G.
Other names: c.747+5_747+8del (NM_001173482.1).
Identifiers: ClinVar variation 4855797 (VCV004855797.1).